The following is an entry in ClinVar:

NM_001374828.1(ARID1B):c.609_635del (p.Gln206_Gln214del)

Genes: ARID1B (AT-rich interaction domain 1B; plus strand), LOC115308161 (uncharacterized LOC115308161; minus strand). Cytogenetic location: 6q25.3.
Variant type: Deletion.
Coding change: c.609_635del on transcript NM_001374828.1 (MANE Select); coding-DNA positions 609 to 635, 27 bases deleted (GCAACAGCAGCAGCAGCAGCAGCAGCA).
Protein change: p.Gln206_Gln214del.
Molecular consequence: inframe deletion. On other transcripts: non-coding transcript variant (1).
Genome position (GRCh38, 1-based): chr6:156,778,289-156,778,315, GCAACAGCAGCAGCAGCAGCAGCAGCA deleted; deleting any 27 consecutive bases within chr6:156,778,269-156,778,315 gives the same sequence; the c. name uses the placement nearest the transcript's 3' end. VCF-style (leftmost placement, unchanged base first): chr6-156778268-CCAGCAGCAGCAGCAGCAGCAGCAACAG-C. GRCh37 (hg19) VCF-style: chr6-157099402-CCAGCAGCAGCAGCAGCAGCAGCAACAG-C.
Other names: c.360_386del, p.Gln123_Gln131del (NM_020732.3); c.609_635del, p.Gln206_Gln214del (NM_001371656.1, NM_001374820.1, NM_017519.3); c.360_386del27 (NM_020732.3).
Identifiers: ClinVar variation 588536 (VCV000588536.16), dbSNP rs910569810, ClinGen allele CA150802713.

ClinVar aggregate classification (germline): Likely benign. Review status: criteria provided, multiple submitters, no conflicts (2 of 4 stars). 5 submissions from 5 submitters: Likely benign (5). Last evaluated 2026-09-23.

Conditions:
ARID1B-Related Disorder. Identifiers: MedGen CN381337.
Inborn genetic diseases. Identifiers: MedGen C0950123, MeSH D030342.

Submissions (5):

PreventionGenetics, part of Exact Sciences
Classification: Likely benign for ARID1B-related condition. Last evaluated: 2026-09-23. Review status: criteria provided, single submitter. Criteria: ACMG Guidelines, 2015. Collection method: clinical testing. Allele origin: germline.
Comment: This variant is classified as likely benign based on ACMG/AMP sequence variant interpretation guidelines (Richards et al. 2015 PMID: 25741868, with internal and published modifications).

Labcorp Genetics (formerly Invitae), Labcorp
Classification: Likely benign. Last evaluated: 2025-02-03. Review status: criteria provided, single submitter. Criteria: Invitae Variant Classification Sherloc (09022015). Collection method: clinical testing. Allele origin: germline.

Blueprint Genetics
Classification: Likely benign. Last evaluated: 2023-12-14. Review status: criteria provided, single submitter. Criteria: ACMG Guidelines, 2015. Collection method: clinical testing. Allele origin: germline.

GeneDx
Classification: Likely benign. Last evaluated: 2020-07-13. Review status: criteria provided, single submitter. Criteria: GeneDx Variant Classification Process June 2021. Collection method: clinical testing. Allele origin: germline. Affected: yes.

Ambry Genetics
Classification: Likely benign for Inborn genetic diseases. Last evaluated: 2016-12-12. Review status: criteria provided, single submitter. Criteria: Ambry Variant Classification Scheme 2023. Collection method: clinical testing. Allele origin: germline.